The following is an entry in ClinVar:

NM_152443.3(RDH12):c.891_893dup (p.Asn297dup)

Genes: GPHN (gephyrin; plus strand), RDH12 (retinol dehydrogenase 12; plus strand), ZFYVE26 (zinc finger FYVE-type containing 26; minus strand). Cytogenetic location: 14q24.1.
Variant type: Duplication.
Coding change: c.891_893dup on transcript NM_152443.3 (MANE Select); coding-DNA positions 891 to 893, 3 bases duplicated (CAA; older notation c.891_893dupCAA).
Protein change: p.Asn297dup; duplicates asparagine 297.
Molecular consequence: inframe insertion.
Genome position (GRCh38, 1-based): chr14:67,733,788-67,733,790, CAA duplicated; duplicating any 3 consecutive bases within chr14:67,733,786-67,733,790 gives the same sequence; the c. name uses the placement nearest the transcript's 3' end. VCF-style (leftmost placement, unchanged base first): chr14-67733785-T-TAAC. GRCh37 (hg19) VCF-style: chr14-68200502-T-TAAC.
Identifiers: ClinVar variation 1055048 (VCV001055048.9), dbSNP rs2140162568, ClinGen allele CA2499222679.
Genomic context (GRCh38, chr14:67,733,785, plus strand): 5'-CTGTCTTTCTCTGCCCTCCAGTGACTGCAAGAGGACCTGGGTGTCTCCAAGGGCCCGAAA[T>TAAC]AACAAAACAGCTGAGCGCCTATGGAATGTCAGCTGTGAGCTTCTAGGAATCCGGTGGGAG-3'

ClinVar aggregate classification (germline): Uncertain significance (1 of 4 stars; one submission).

Conditions:
Leber congenital amaurosis 13 (LCA13). Identifiers: MedGen C2675186, MONDO:0012990, OMIM 612712.

Submission:

Labcorp Genetics (formerly Invitae), Labcorp
Classification: Uncertain significance for Leber congenital amaurosis 13. Last evaluated: 2023-11-27. Review status: criteria provided, single submitter. Criteria: Invitae Variant Classification Sherloc (09022015). Collection method: clinical testing. Allele origin: germline.
Comment: This variant, c.891_893dup, results in the insertion of 1 amino acid(s) of the RDH12 protein (p.Asn297dup), but otherwise preserves the integrity of the reading frame. This variant is not present in population databases (gnomAD no frequency). This variant has not been reported in the literature in individuals affected with RDH12-related conditions. ClinVar contains an entry for this variant (Variation ID: 1055048). Experimental studies and prediction algorithms are not available or were not evaluated, and the functional significance of this variant is currently unknown. In summary, the available evidence is currently insufficient to determine the role of this variant in disease. Therefore, it has been classified as a Variant of Uncertain Significance.